The following is an entry in ClinVar:

ClinVar aggregate classification (germline): Conflicting classifications of pathogenicity. Review status: criteria provided, conflicting classifications (1 of 4 stars). 5 submissions from 5 submitters: Uncertain significance (1); Likely benign (4). Last evaluated 2025-10-27.

Conditions:
Inborn genetic diseases. Identifiers: MedGen C0950123, MeSH D030342.
RP1L1-related disorder. Also called: RP1L1-related condition.

Allele frequency attached by ClinVar (database versions not stated): TOPMed 0.00011; gnomAD 0.00019 and 0.00008; gnomAD exomes 0.00025; ExAC 0.00040; 1000 Genomes Project 0.00080; 1000 Genomes Project 30x 0.00109.
gnomAD v4.1: 396 of 1,613,742 alleles (0.025%); highest among the groups gnomAD compares: South Asian, 0.24%; 1 homozygote.

Submissions (5):

Labcorp Genetics (formerly Invitae), Labcorp
Classification: Likely benign. Last evaluated: 2025-10-27. Review status: criteria provided, single submitter. Criteria: Invitae Variant Classification Sherloc (09022015). Collection method: clinical testing. Allele origin: germline.

Ambry Genetics
Classification: Uncertain significance for Inborn genetic diseases. Last evaluated: 2025-04-12. Review status: criteria provided, single submitter. Criteria: Ambry Variant Classification Scheme 2023. Collection method: clinical testing. Allele origin: germline.

PreventionGenetics, part of Exact Sciences
Classification: Likely benign for RP1L1-related condition. Last evaluated: 2025-03-14. Review status: criteria provided, single submitter. Criteria: ACMG Guidelines, 2015. Collection method: clinical testing. Allele origin: germline.
Comment: This variant is classified as likely benign based on ACMG/AMP sequence variant interpretation guidelines (Richards et al. 2015 PMID: 25741868, with internal and published modifications).

Blueprint Genetics
Classification: Likely benign. Last evaluated: 2024-11-18. Review status: criteria provided, single submitter. Criteria: ACMG Guidelines, 2015. Collection method: clinical testing. Allele origin: germline.

Breakthrough Genomics
Classification: Likely benign. Review status: criteria provided, single submitter. Criteria: ACMG Guidelines, 2015. Collection method: not provided. Allele origin: germline. Inheritance: Autosomal recessive inheritance. Affected: yes.

NM_178857.6(RP1L1):c.389G>A (p.Arg130Gln)

Gene: RP1L1 (RP1 like 1). Cytogenetic location: 8p23.1.
Variant type: single nucleotide variant.
Coding change: c.389G>A on transcript NM_178857.6 (MANE Select); coding-DNA position 389, G replaced by A.
Protein change: p.Arg130Gln; replaces arginine 130 with glutamine.
Molecular consequence: missense variant.
Genome position (GRCh38, 1-based): chr8:10,622,813, C>T on the plus strand (G>A on the coding strand, the complement: RP1L1 is on the minus strand). VCF-style: chr8-10622813-C-T. GRCh37 (hg19) VCF-style: chr8-10480323-C-T.
Other names: short protein forms R130Q.
Identifiers: ClinVar variation 727897 (VCV000727897.15), dbSNP rs550562431, ClinGen allele CA4625728.